The following is an entry in ClinVar:

NM_139076.3(ABRAXAS1):c.1102_1104del (p.Lys368del)

Gene: ABRAXAS1 (abraxas 1, BRCA1 A complex subunit; minus strand). Cytogenetic location: 4q21.23.
Variant type: Deletion.
Coding change: c.1102_1104del on transcript NM_139076.3 (MANE Select); coding-DNA positions 1102 to 1104, 3 bases deleted (AAA; older notation c.1102_1104delAAA).
Protein change: p.Lys368del; deletes lysine 368.
Molecular consequence: inframe deletion.
Genome position (GRCh38, 1-based): chr4:83,462,595-83,462,597, TTT deleted on the plus strand (AAA on the coding strand, the reverse complement: ABRAXAS1 is on the minus strand). VCF-style (leftmost placement, unchanged base first): chr4-83462594-GTTT-G. GRCh37 (hg19) VCF-style: chr4-84383747-GTTT-G.
Other names: c.775_777del, p.Lys259del (NM_001345962.2); c.1102_1104del (NM_139076.2); short protein forms K368del, K259del.
Identifiers: ClinVar variation 241853 (VCV000241853.11), dbSNP rs878855206, ClinGen allele CA10582268.

ClinVar aggregate classification (germline): Uncertain significance. Review status: criteria provided, multiple submitters, no conflicts (2 of 4 stars). 2 submissions from 2 submitters: Uncertain significance (2). Last evaluated 2023-10-17.

Allele frequency attached by ClinVar (database versions not stated): gnomAD 0.00001; gnomAD exomes 0.00001 and 0.00002; TOPMed 0.00001.

Submissions (2):

Labcorp Genetics (formerly Invitae), Labcorp
Classification: Uncertain significance. Last evaluated: 2023-10-17. Review status: criteria provided, single submitter. Criteria: Invitae Variant Classification Sherloc (09022015). Collection method: clinical testing. Allele origin: germline.
Comment: This variant, c.1102_1104del, results in the deletion of 1 amino acid(s) of the ABRAXAS1 protein (p.Lys368del), but otherwise preserves the integrity of the reading frame. This variant is present in population databases (no rsID available, gnomAD 0.0009%). This variant has been observed in individual(s) with breast cancer (PMID: 29484706). ClinVar contains an entry for this variant (Variation ID: 241853). Experimental studies and prediction algorithms are not available or were not evaluated, and the functional significance of this variant is currently unknown. In summary, the available evidence is currently insufficient to determine the role of this variant in disease. Therefore, it has been classified as a Variant of Uncertain Significance.

Women's Health and Genetics/Laboratory Corporation of America, LabCorp
Classification: Uncertain significance. Last evaluated: 2023-04-10. Review status: criteria provided, single submitter. Criteria: LabCorp Variant Classification Summary - May 2015. Collection method: clinical testing. Allele origin: germline.
Comment: Variant summary: FAM175A c.1102_1104delAAA (p.Lys368del) results in an in-frame deletion that is predicted to remove one amino acid from the encoded protein. The variant allele was found at a frequency of 8e-06 in 251348 control chromosomes. The available data on variant occurrences in the general population are insufficient to allow any conclusion about variant significance. c.1102_1104delAAA has been reported in the literature in individuals affected with breast cancer or embryonal tumor. These report(s) do not provide unequivocal conclusions about association of the variant with Hereditary Breast And Ovarian Cancer Syndrome. To our knowledge, no experimental evidence demonstrating an impact on protein function has been reported. One clinical diagnostic laboratory has submitted clinical-significance assessments for this variant to ClinVar after 2014 without evidence for independent evaluation and classified the variant as uncertain significance. Based on the evidence outlined above, the variant was classified as uncertain significance.

Literature cited by the submitters: PubMed 29484706 (cited by Labcorp Genetics (formerly Invitae), Labcorp and Women's Health and Genetics/Laboratory Corporation of America, LabCorp); PubMed 32291395 (cited by Women's Health and Genetics/Laboratory Corporation of America, LabCorp).